The following is an entry in ClinVar:

ClinVar aggregate classification (germline): Uncertain significance (0 of 4 stars; one submission).

Allele frequency attached by ClinVar (database versions not stated): 1000 Genomes Project 30x 0.00062; gnomAD 0.00024 and 0.00023; TOPMed 0.00032; gnomAD exomes 0.00037; 1000 Genomes Project 0.00040; ESP Exome Variant Server 0.00008; ExAC 0.00025.
gnomAD v4.1: 284 of 1,614,128 alleles (0.018%); highest among the groups gnomAD compares: Admixed American, 0.16%; no homozygotes.

Submission:

Martin Pollak Laboratory,  Beth Israel Deaconess Medical Center
Classification: Uncertain significance. Review status: no assertion criteria provided. Collection method: not provided. Allele origin: unknown.
Comment: Higher UCa2+ group
ClinVar note: Converted during submission from unknown to Uncertain significance.

NM_006984.5(CLDN10):c.505G>T (p.Ala169Ser)

Gene: CLDN10 (claudin 10; plus strand). Cytogenetic location: 13q32.1.
Variant type: single nucleotide variant.
Coding change: c.505G>T on transcript NM_006984.5 (MANE Select); coding-DNA position 505, G replaced by T.
Protein change: p.Ala169Ser; replaces alanine 169 with serine.
Molecular consequence: missense variant.
Genome position (GRCh38, 1-based): chr13:95,577,271, G>T. VCF-style: chr13-95577271-G-T. GRCh37 (hg19) VCF-style: chr13-96229525-G-T.
Other names: c.442G>T, p.Ala148Ser (NM_001160100.2); c.499G>T, p.Ala167Ser (NM_182848.4); short protein forms A148S, A167S, A169S.
Identifiers: ClinVar variation 64492 (VCV000064492.2), dbSNP rs201348784, ClinGen allele CA216262.